The following is an entry in ClinVar:

ClinVar aggregate classification (germline): Benign/Likely benign. Review status: criteria provided, multiple submitters, no conflicts (2 of 4 stars). 4 submissions from 4 submitters: Benign (3); Likely benign (1). Last evaluated 2024-11-19.

Conditions:
Rubinstein-Taybi syndrome due to EP300 haploinsufficiency. Also called: EP300-Related Rubinstein-Taybi Syndrome; RUBINSTEIN-TAYBI SYNDROME 2. Identifiers: Orphanet 353284, Orphanet 783, MedGen C3150941, MONDO:0013364, OMIM 613684.

Allele frequency attached by ClinVar (database versions not stated): gnomAD 0.00001 and 0.00008; TOPMed 0.00003; gnomAD exomes 0.00019 and 0.00047; 1000 Genomes Project 30x 0.00031; 1000 Genomes Project 0.00040; ExAC 0.00054.
gnomAD v4.1: 296 of 1,614,162 alleles (0.018%); highest among the groups gnomAD compares: South Asian, 0.3%; 5 homozygotes.

Submissions (4):

Blueprint Genetics
Classification: Likely benign. Last evaluated: 2024-11-19. Review status: criteria provided, single submitter. Criteria: ACMG Guidelines, 2015. Collection method: clinical testing. Allele origin: germline.

Labcorp Genetics (formerly Invitae), Labcorp
Classification: Benign for Rubinstein-Taybi syndrome due to EP300 haploinsufficiency. Last evaluated: 2024-06-05. Review status: criteria provided, single submitter. Criteria: Invitae Variant Classification Sherloc (09022015). Collection method: clinical testing. Allele origin: germline.

CeGaT Center for Human Genetics Tuebingen
Classification: Benign. Last evaluated: 2022-09-01. Review status: criteria provided, single submitter. Criteria: CeGaT Center For Human Genetics Tuebingen Variant Classification Criteria Version 2. Collection method: clinical testing. Allele origin: germline. Affected: yes. Observed: 1 variant allele.
Comment: EP300: BS1, BS2

GeneDx
Classification: Benign. Last evaluated: 2019-03-25. Review status: criteria provided, single submitter. Criteria: GeneDx Variant Classification Process June 2021. Collection method: clinical testing. Allele origin: germline. Affected: yes.

NM_001429.4(EP300):c.5709C>T (p.Gly1903=)

Gene: EP300 (EP300 lysine acetyltransferase; plus strand). Cytogenetic location: 22q13.2.
Variant type: single nucleotide variant.
Coding change: c.5709C>T on transcript NM_001429.4 (MANE Select); coding-DNA position 5709, C replaced by T.
Protein change: p.Gly1903=; no amino-acid change (glycine 1903 retained).
Molecular consequence: synonymous variant.
Genome position (GRCh38, 1-based): chr22:41,177,420, C>T. VCF-style: chr22-41177420-C-T. GRCh37 (hg19) VCF-style: chr22-41573424-C-T.
Other names: c.5631C>T, p.Gly1877= (NM_001362843.2).
Identifiers: ClinVar variation 733408 (VCV000733408.33), dbSNP rs200728751, ClinGen allele CA10253693.